The following is an entry in ClinVar:

ClinVar aggregate classification (germline): Likely benign. Review status: criteria provided, multiple submitters, no conflicts (2 of 4 stars). 2 submissions from 2 submitters: Likely benign (2). Last evaluated 2026-02-01.

Conditions:
Hereditary spastic paraplegia 39 (SPG39). Also called: SPASTIC PARAPLEGIA 39, AUTOSOMAL RECESSIVE; Spastic Paraplegia Type 39 (SPG39). Identifiers: Orphanet 139480, MedGen C2677586, MONDO:0012787, OMIM 612020.

Allele frequency attached by ClinVar (database versions not stated): gnomAD 0.00001; TOPMed 0.00002.
gnomAD v4.1: 23 of 1,576,552 alleles (0.0015%); highest among the groups gnomAD compares: South Asian, 0.015%; no homozygotes.

Submissions (2):

CeGaT Center for Human Genetics Tuebingen
Classification: Likely benign. Last evaluated: 2026-02-01. Review status: criteria provided, single submitter. Criteria: CeGaT Center For Human Genetics Tuebingen Variant Classification Criteria Version 2. Collection method: clinical testing. Allele origin: germline. Affected: yes. Observed: 1 variant allele.
Comment: PNPLA6: BP4, BP7

Labcorp Genetics (formerly Invitae), Labcorp
Classification: Likely benign for Hereditary spastic paraplegia 39. Last evaluated: 2025-03-31. Review status: criteria provided, single submitter. Criteria: Invitae Variant Classification Sherloc (09022015). Collection method: clinical testing. Allele origin: germline.

NM_001166114.2(PNPLA6):c.1143C>T (p.Thr381=)

Gene: PNPLA6 (patatin like domain 6, lysophospholipase; plus strand). Cytogenetic location: 19p13.2.
Variant type: single nucleotide variant.
Coding change: c.1143C>T on transcript NM_001166114.2 (MANE Select); coding-DNA position 1143, C replaced by T.
Protein change: p.Thr381=; no amino-acid change (threonine 381 retained).
Molecular consequence: synonymous variant.
Genome position (GRCh38, 1-based): chr19:7,541,659, C>T. VCF-style: chr19-7541659-C-T. GRCh37 (hg19) VCF-style: chr19-7606545-C-T.
Other names: c.1170C>T, p.Thr390= (NM_001166111.2); c.1026C>T, p.Thr342= (NM_001166112.2, NM_001166113.1, NM_006702.5).
Identifiers: ClinVar variation 1148874 (VCV001148874.13), dbSNP rs763107646, ClinGen allele CA9139681.